The following is an entry in ClinVar:

ClinVar aggregate classification (germline): Benign/Likely benign. Review status: criteria provided, multiple submitters, no conflicts (2 of 4 stars). 5 submissions from 5 submitters: Benign (1); Likely benign (4). Last evaluated 2026-01-24.

Conditions:
Emery-Dreifuss muscular dystrophy 5, autosomal dominant (EDMD5). Also called: EMERY-DREIFUSS MUSCULAR DYSTROPHY 5. Identifiers: Orphanet 261, MedGen C2751805, MONDO:0013072, OMIM 612999.

Allele frequency attached by ClinVar (database versions not stated): gnomAD exomes 0.00024 and 0.00067; ExAC 0.00077; 1000 Genomes Project 0.00240; gnomAD 0.00249 and 0.00267; TOPMed 0.00278; ESP Exome Variant Server 0.00308; 1000 Genomes Project 30x 0.00312.
gnomAD v4.1: 729 of 1,614,082 alleles (0.045%); highest among the groups gnomAD compares: African/African-American, 0.9%; 6 homozygotes.

Submissions (5):

Labcorp Genetics (formerly Invitae), Labcorp
Classification: Likely benign for Emery-Dreifuss muscular dystrophy 5, autosomal dominant. Last evaluated: 2026-01-24. Review status: criteria provided, single submitter. Criteria: Invitae Variant Classification Sherloc (09022015). Collection method: clinical testing. Allele origin: germline.

CeGaT Center for Human Genetics Tuebingen
Classification: Likely benign. Last evaluated: 2025-06-01. Review status: criteria provided, single submitter. Criteria: CeGaT Center For Human Genetics Tuebingen Variant Classification Criteria Version 2. Collection method: clinical testing. Allele origin: germline. Affected: yes. Observed: 1 variant allele.
Comment: SYNE2: BP4, BS2

Blueprint Genetics
Classification: Likely benign. Last evaluated: 2024-11-01. Review status: criteria provided, single submitter. Criteria: ACMG Guidelines, 2015. Collection method: clinical testing. Allele origin: germline.

Fulgent Genetics
Classification: Likely benign for Emery-Dreifuss muscular dystrophy 5, autosomal dominant. Last evaluated: 2021-09-20. Review status: criteria provided, single submitter. Criteria: ACMG Guidelines, 2015. Collection method: clinical testing. Allele origin: unknown.

Eurofins Ntd Llc (ga)
Classification: Benign. Last evaluated: 2015-10-13. Review status: criteria provided, single submitter. Criteria: EGL Classification Definitions 2015. Collection method: clinical testing. Allele origin: germline. Observed: 1 variant allele, 1 heterozygote.

NM_182914.3(SYNE2):c.15781G>A (p.Val5261Ile)

Gene: SYNE2 (spectrin repeat containing nuclear envelope protein 2; plus strand). Cytogenetic location: 14q23.2.
Variant type: single nucleotide variant.
Coding change: c.15781G>A on transcript NM_182914.3 (MANE Select); coding-DNA position 15781, G replaced by A.
Protein change: p.Val5261Ile; replaces valine 5261 with isoleucine.
Molecular consequence: missense variant.
Genome position (GRCh38, 1-based): chr14:64,152,705, G>A. VCF-style: chr14-64152705-G-A. GRCh37 (hg19) VCF-style: chr14-64619423-G-A.
Other names: c.15781G>A, p.Val5261Ile (NM_015180.6); short protein forms V5261I.
Identifiers: ClinVar variation 283988 (VCV000283988.27), dbSNP rs144605670, ClinGen allele CA7223178.